The following is an entry in ClinVar:

NM_001330260.2(SCN8A):c.3703G>A (p.Ala1235Thr)

Gene: SCN8A (sodium voltage-gated channel alpha subunit 8; plus strand). Cytogenetic location: 12q13.13.
Variant type: single nucleotide variant.
Coding change: c.3703G>A on transcript NM_001330260.2 (MANE Select); coding-DNA position 3703, G replaced by A.
Protein change: p.Ala1235Thr; replaces alanine 1235 with threonine.
Molecular consequence: missense variant.
Genome position (GRCh38, 1-based): chr12:51,774,246, G>A. VCF-style: chr12-51774246-G-A. GRCh37 (hg19) VCF-style: chr12-52168030-G-A.
Other names: c.3703G>A, p.Ala1235Thr (NM_001177984.3, NM_001369788.1, NM_014191.4); short protein forms A1235T.
Identifiers: ClinVar variation 833575 (VCV000833575.11), dbSNP rs1942973895, ClinGen allele CA384899029.

ClinVar aggregate classification (germline): Conflicting classifications of pathogenicity. Review status: criteria provided, conflicting classifications (1 of 4 stars). 2 submissions from 2 submitters: Uncertain significance (1); Likely benign (1). Last evaluated 2020-12-05.

Conditions:
Early-infantile DEE. Also called: Ohtahara syndrome; Early infantile epileptic encephalopathy with suppression bursts; Early infantile epileptic encephalopathy. Identifiers: Orphanet 1934, MedGen C0393706, MONDO:0800491.
Cognitive impairment with or without cerebellar ataxia (CIAT). Identifiers: MedGen C3280415, MONDO:0013680, OMIM 614306.

Submissions (2):

Baylor Genetics
Classification: Uncertain significance for Cognitive impairment with or without cerebellar ataxia. Last evaluated: 2020-12-05. Review status: criteria provided, single submitter. Criteria: ACMG Guidelines, 2015. Collection method: clinical testing. Allele origin: unknown. Affected: yes.
Comment: This variant was determined to be of uncertain significance according to ACMG Guidelines, 2015 [PMID:25741868].

Labcorp Genetics (formerly Invitae), Labcorp
Classification: Likely benign for Early-infantile DEE. Last evaluated: 2019-05-02. Review status: criteria provided, single submitter. Criteria: Invitae Variant Classification Sherloc (09022015). Collection method: clinical testing. Allele origin: germline.